The following is an entry in ClinVar:

ClinVar aggregate classification (germline): Conflicting classifications of pathogenicity. Review status: criteria provided, conflicting classifications (1 of 4 stars). 13 submissions from 13 submitters: Pathogenic (3); Likely pathogenic (7); Uncertain significance (1). 2 of the submissions do not count toward it. Last evaluated 2026-04-29.

Conditions:
Autosomal recessive Alport syndrome (ATS2). Also called: COL4A3-Related Nephropathy; Alport syndrome type 2; ALPORT SYNDROME 2, AUTOSOMAL RECESSIVE; COL4A4 Alport Syndrome and Thin Basement Membrane Nephropathy. Identifiers: Orphanet 63, Orphanet 88919, MedGen C4746745, MONDO:0008762, OMIM 203780.
Hematuria, benign familial, 1 (BFH1). Also called: THIN MEMBRANE NEPHROPATHY. Identifiers: MedGen CN376803, MONDO:0007709, OMIM 141200.
Alport syndrome. Also called: Hemorrhagic familial nephritis; Hemorrhagic hereditary nephritis; Congenital hereditary hematuria. Identifiers: Orphanet 63, MedGen C1567741, MONDO:0018965.
COL4A4-related disorder.
Autosomal dominant COL4A4-related disorders.
Autosomal dominant Alport syndrome (ATS3A). Also called: ALPORT SYNDROME 3A, AUTOSOMAL DOMINANT; Alport syndrome dominant type; Renal failure and sensorineural hearing loss. Identifiers: Orphanet 63, Orphanet 88918, MedGen C5882663, MONDO:0007086, OMIM 104200.

Allele frequency attached by ClinVar (database versions not stated): gnomAD exomes 0.00001 and 0.00002; TOPMed 0.00001.

Submissions 1 to 8 of 13:

Centre de Génétique Humaine, Institut de Pathologie Et de Génétique
Classification: Likely pathogenic for Autosomal dominant Alport syndrome. Last evaluated: 2026-04-29. Review status: criteria provided, single submitter. Criteria: ACMG Guidelines, 2015. Collection method: clinical testing. Allele origin: paternal, germline. Inheritance: Autosomal dominant inheritance. Affected: yes. Observed: 3 variant alleles, 3 heterozygotes. Clinical features observed: Microscopic hematuria (HP:0002907), Severe albuminuria (HP:0033066), Thin glomerular basement membrane (HP:0012577), Sensorineural hearing loss disorder (HP:0000407), Stage 4 chronic kidney disease (HP:0012626), Moderate albuminuria (HP:0012594), Stage 3 chronic kidney disease (HP:0012625), Mild albuminuria (HP:0033065). Segregation with disease observed.
Comment: This missense variant involves a highly conserved glycine located in a ‘Gly-X-Y’ motif in collagenous region, which is characteristic of the pathogenic variants identified in the COL4A4 gene (PM1,PP2). This variant is rare: allelic frequency of 0.00099% in gnomAD v4.1.0 database (PM2); In silico analysis supports that this missense variant has a deleterious effect (PP3).

Labcorp Genetics (formerly Invitae), Labcorp
Classification: Pathogenic. Last evaluated: 2026-01-18. Review status: criteria provided, single submitter. Criteria: Invitae Variant Classification Sherloc (09022015). Collection method: clinical testing. Allele origin: germline.
Comment: This sequence change replaces glycine, which is neutral and non-polar, with glutamic acid, which is acidic and polar, at codon 408 of the COL4A4 protein (p.Gly408Glu). This variant is present in population databases (no rsID available, gnomAD 0.05%). This missense change has been observed in individuals with clinical features of Alport syndrome (internal data). ClinVar contains an entry for this variant (Variation ID: 562349). Invitae Evidence Modeling of protein sequence and biophysical properties (such as structural, functional, and spatial information, amino acid conservation, physicochemical variation, residue mobility, and thermodynamic stability) indicates that this missense variant is expected to disrupt COL4A4 protein function with a positive predictive value of 95%. For these reasons, this variant has been classified as Pathogenic.

GeneDx
Classification: Uncertain significance. Last evaluated: 2025-12-30. Review status: criteria provided, single submitter. Criteria: GeneDx Variant Classification Process June 2021. Collection method: clinical testing. Allele origin: germline.
Comment: Affects a glycine residue in a Gly-X-Y motif in the triple helical region of the COL4A4 gene; In silico analysis supports that this missense variant has a deleterious effect on protein structure/function; This variant is associated with the following publications: (PMID: 34993602, 30586318, 41257164)

Natera, Inc.
Classification: Likely pathogenic for Alport syndrome. Last evaluated: 2025-09-18. Review status: criteria provided, single submitter. Criteria: Natera Variant Classification Schema (03/2026). Collection method: clinical testing. Allele origin: germline.
Comment: The c.1223G>A variant in COL4A4 is a missense variant predicted to cause substitution of glycine to glutamic acid at amino acid 408. This variant is rare in the general population with a frequency below the threshold expected for the associated phenotype(s). This variant has been observed in affected individual(s) with monoallelic occurrence (heterozygous/hemizygous) (PMID: 35759000, 30586318). This variant is located in a functionally critical region of the protein. Computational prediction algorithms indicate this variant is likely to affect gene or protein function. Given the available evidence, this variant is classified as Likely Pathogenic.

Variantyx, Inc.
Classification: Likely pathogenic for Autosomal dominant COL4A4-related disorders. Last evaluated: 2025-04-22. Review status: criteria provided, single submitter. Criteria: Variantyx Assertion Criteria 2022. Collection method: clinical testing. Allele origin: germline. Inheritance: Autosomal dominant inheritance. Affected: yes.
Comment: This is a nonsynonymous variant in the COL4A4 gene (OMIM: 120131). Pathogenic variants in this gene have been associated with autosomal dominant COL4A4-related disorders. This variant has been reported in several unrelated affected individuals (PMID: 36161695, 30586318, 34993602) (PS4_Moderate). It lies within a known hotspot for pathogenic variants or a well-established critical functional domain of the COL4A4 protein (PMID: 33854215) (PM1) and multiple computational algorithms predict a deleterious effect for this variant (REVEL score: 0.873) (PP3). This variant has a 0.0004% maximum allele frequency in non-founder control populations (PM2). Based on the current evidence, this variant is classified as likely pathogenic for autosomal dominant COL4A4-related disorders.

Victorian Clinical Genetics Services, Murdoch Childrens Research Institute
Classification: Pathogenic for Alport syndrome. Last evaluated: 2024-09-20. Review status: criteria provided, single submitter. Criteria: ACMG Guidelines, 2015. Collection method: clinical testing. Allele origin: germline. Affected: yes.
Comment: Based on the classification scheme VCGS_Germline_v1.3.4, this variant is classified as Pathogenic. Following criteria are met: 0103 - Loss of function is a known mechanism of disease for this gene and is associated with COL4A4-related nephropathy. Dominant negative is a suspected mechanism of disease for this gene as it is a structural protein (PMIDs: 12028435, 24046192). (I) 0108 - This gene is associated with both recessive and dominant disease. Alport syndrome typically has biallelic inheritance, although rare cases of monoallelic inheritance have been reported (PMID: 28704582). Thin basement membrane nephropathy (TBMN) and focal segmental glomerulosclerosis (FSGS) are associated with autosomal dominant inheritance (OMIM, PMIDs: 16467446, 17942953). (I) 0200 - Variant is predicted to result in a missense amino acid change from glycine to glutamic acid. (I) 0251 - This variant is heterozygous. (I) 0302 - Variant is present in gnomAD (v2) <0.001 for a dominant condition (6 heterozygotes, 0 homozygotes). (SP) 0501 - Missense variant consistently predicted to be damaging by multiple in silico tools or highly conserved with a major amino acid change. (SP) 0601 - Variant is located in the well-established functional triple helical region (UniProt) of the collagen domain (DECIPHER). (SP) 0705 - No comparable missense variants have previous evidence for pathogenicity. (I) 0801 - This variant has strong previous evidence of pathogenicity in unrelated individuals. This variant has been classified as pathogenic or likely pathogenic by multiple clinical laboratories in ClinVar and has been observed in one individual with Alport syndrome 2 in the literature (PMID: 34993602). (SP) 0906 - Segregation evidence for this variant is inconclusive. (I) 1007 - No published functional evidence has been identified for this variant. (I) 1208 - Inheritance information for this variant is not currently available in this individual. (I) Legend: (SP) - Supporting pathogenic, (I) - Information, (SB) - Supporting benign

Blueprint Genetics
Classification: Likely pathogenic for COL4A4-related disorders. Last evaluated: 2024-04-26. Review status: criteria provided, single submitter. Criteria: ACMG Guidelines, 2015. Collection method: clinical testing. Allele origin: germline. Affected: yes. Observed: 2 variant alleles.

Fulgent Genetics
Classification: Pathogenic for Hematuria, benign familial, 1; Autosomal recessive Alport syndrome. Last evaluated: 2024-03-01. Review status: criteria provided, single submitter. Criteria: ACMG Guidelines, 2015. Collection method: clinical testing. Allele origin: germline.

NM_000092.5(COL4A4):c.1223G>A (p.Gly408Glu)

Gene: COL4A4 (collagen type IV alpha 4 chain; minus strand). Cytogenetic location: 2q36.3.
Variant type: single nucleotide variant.
Coding change: c.1223G>A on transcript NM_000092.5 (MANE Select); coding-DNA position 1223, G replaced by A.
Protein change: p.Gly408Glu; replaces glycine 408 with glutamic acid.
Molecular consequence: missense variant.
Genome position (GRCh38, 1-based): chr2:227,094,271, C>T on the plus strand (G>A on the coding strand, the complement: COL4A4 is on the minus strand). VCF-style: chr2-227094271-C-T. GRCh37 (hg19) VCF-style: chr2-227958987-C-T.
Other names: p.(Gly408Glu); short protein forms G408E.
Identifiers: ClinVar variation 562349 (VCV000562349.25), dbSNP rs1026613471, ClinGen allele CA66554609.
Genomic context (GRCh38, chr2:227,094,271, plus strand): 5'-GGTCTCCCAGGAATACCAGCTTCTCCTGGAAGCCCAGGAAGACCAGGAAATCCTTGTGGC[C>T]CAGGGGGTCCTATCATGCCTGCAAGATAAATCAAGAATGAAAATTACATATACTCTCAGA-3'
Protein context (NP_000083.3, residues 398-418): EACAGMIGPP[Gly408Glu]PQGFPGLPGL